The following is an entry in ClinVar:

ClinVar aggregate classification (germline): Uncertain significance. Review status: criteria provided, multiple submitters, no conflicts (2 of 4 stars). 2 submissions from 2 submitters: Uncertain significance (2). Last evaluated 2024-05-07.

Conditions:
Inborn genetic diseases. Identifiers: MedGen C0950123, MeSH D030342.

Allele frequency attached by ClinVar (database versions not stated): gnomAD 0.00001; gnomAD exomes 0.00001; TOPMed 0.00001.
gnomAD v4.1: 11 of 1,614,092 alleles (0.00068%); highest among the groups gnomAD compares: Non-Finnish European, 0.00093%; no homozygotes.

Submissions (2):

Labcorp Genetics (formerly Invitae), Labcorp
Classification: Uncertain significance. Last evaluated: 2024-05-07. Review status: criteria provided, single submitter. Criteria: Invitae Variant Classification Sherloc (09022015). Collection method: clinical testing. Allele origin: germline.
Comment: This sequence change replaces glutamic acid, which is acidic and polar, with lysine, which is basic and polar, at codon 2145 of the FN1 protein (p.Glu2145Lys). This variant is present in population databases (no rsID available, gnomAD 0.002%). This variant has not been reported in the literature in individuals affected with FN1-related conditions. An algorithm developed to predict the effect of missense changes on protein structure and function (PolyPhen-2) suggests that this variant is likely to be disruptive. In summary, the available evidence is currently insufficient to determine the role of this variant in disease. Therefore, it has been classified as a Variant of Uncertain Significance.

Ambry Genetics
Classification: Uncertain significance for Inborn genetic diseases. Last evaluated: 2023-10-05. Review status: criteria provided, single submitter. Criteria: Ambry Variant Classification Scheme 2023. Collection method: clinical testing. Allele origin: germline.

NM_212482.4(FN1):c.6433G>A (p.Glu2145Lys)

Gene: FN1 (fibronectin 1; minus strand). Cytogenetic location: 2q35.
Variant type: single nucleotide variant.
Coding change: c.6433G>A on transcript NM_212482.4 (MANE Select); coding-DNA position 6433, G replaced by A.
Protein change: p.Glu2145Lys; replaces glutamic acid 2145 with lysine.
Molecular consequence: missense variant. On other transcripts: intron variant (3).
Genome position (GRCh38, 1-based): chr2:215,372,190, C>T on the plus strand (G>A on the coding strand, the complement: FN1 is on the minus strand). VCF-style: chr2-215372190-C-T. GRCh37 (hg19) VCF-style: chr2-216236913-C-T.
Other names: c.6433G>A, p.Glu2145Lys (NM_001306129.2); c.5890G>A, p.Glu1964Lys (NM_001306131.2, NM_212476.3); c.5815G>A, p.Glu1939Lys (NM_001306132.2, NM_001365523.2); c.6163G>A, p.Glu2055Lys (NM_001365517.2, NM_001365521.2); c.6160G>A, p.Glu2054Lys (NM_001365518.2, NM_002026.4); c.6088G>A, p.Glu2030Lys (NM_001365519.2, NM_001365522.2); c.6085G>A, p.Glu2029Lys (NM_001365520.2, NM_212478.3); c.5705-175G>A (NM_212474.3); and 2 more; short protein forms E2145K, E2029K, E2030K, E2055K, E1964K, E2054K, E1939K.
Identifiers: ClinVar variation 3095959 (VCV003095959.3), dbSNP rs916750766, ClinGen allele CA64845366.